The following is an entry in ClinVar:

ClinVar aggregate classification (germline): Uncertain significance (1 of 4 stars; one submission).

Conditions:
Hereditary breast ovarian cancer syndrome. Also called: Hereditary breast and ovarian cancer syndrome (HBOC); Hereditary breast and ovarian cancer syndrome; Breast and ovarian cancer; Hereditary breast and/or ovarian cancer syndrome; Hereditary breast and ovarian cancer; BRCA1- and BRCA2-Associated Hereditary Breast and Ovarian Cancer. Identifiers: Orphanet 145, MedGen C0677776, MeSH D061325, MONDO:0003582. Disease mechanism: loss of function.

Allele frequency attached by ClinVar (database versions not stated): gnomAD exomes below 0.00001.

Submission:

Labcorp Genetics (formerly Invitae), Labcorp
Classification: Uncertain significance for Hereditary breast ovarian cancer syndrome. Last evaluated: 2021-06-05. Review status: criteria provided, single submitter. Criteria: Invitae Variant Classification Sherloc (09022015). Collection method: clinical testing. Allele origin: germline.
Comment: In summary, the available evidence is currently insufficient to determine the role of this variant in disease. Therefore, it has been classified as a Variant of Uncertain Significance. This sequence change replaces glycine with serine at codon 129 of the BRCA1 protein (p.Gly129Ser). The glycine residue is highly conserved and there is a small physicochemical difference between glycine and serine. This variant is not present in population databases (ExAC no frequency). This variant has not been reported in the literature in individuals with BRCA1-related disease. Algorithms developed to predict the effect of missense changes on protein structure and function do not agree on the potential impact of this missense change (SIFT: "Tolerated"; PolyPhen-2: "Probably Damaging"; Align-GVGD: "Class C0").

NM_007294.4(BRCA1):c.385G>A (p.Gly129Ser)

Gene: BRCA1 (BRCA1 DNA repair associated; minus strand). Cytogenetic location: 17q21.31.
Variant type: single nucleotide variant.
Coding change: c.385G>A on transcript NM_007294.4 (MANE Select); coding-DNA position 385, G replaced by A.
Protein change: p.Gly129Ser; replaces glycine 129 with serine.
Molecular consequence: missense variant. On other transcripts: non-coding transcript variant (1).
Genome position (GRCh38, 1-based): chr17:43,104,178, C>T on the plus strand (G>A on the coding strand, the complement: BRCA1 is on the minus strand). VCF-style: chr17-43104178-C-T. GRCh37 (hg19) VCF-style: chr17-41256195-C-T.
Other names: c.307G>A, p.Gly103Ser (NM_001408415.1, NM_001408416.1, NM_001408409.1 and 21 more transcripts); c.385G>A, p.Gly129Ser (NM_001407641.1, NM_001407938.1, NM_001407939.1 and 165 more transcripts); c.244G>A, p.Gly82Ser (NM_001407942.1, NM_001407943.1, NM_001407964.1 and 99 more transcripts); c.376G>A, p.Gly126Ser (NM_001407646.1, NM_001407647.1, NM_001408408.1); c.175G>A, p.Gly59Ser (NM_001407955.1, NM_001407956.1, NM_001407957.1 and 58 more transcripts); c.4G>A, p.Gly2Ser (NM_001407959.1, NM_001407960.1, NM_001407962.1 and 4 more transcripts); c.253G>A, p.Gly85Ser (NM_001408451.1); short protein forms G129S, G82S, G103S, G2S, G85S, G126S, G59S.
Identifiers: ClinVar variation 462624 (VCV000462624.10), dbSNP rs1555596362, ClinGen allele CA10601371.
Genomic context (GRCh38, chr17:43,104,178, plus strand): 5'-TTACCAAGGAAGGATTTTCGGGTTCACTCTGTAGAAGTCTTTTGGCACGGTTTCTGTAGC[C>T]CATACTTTGGATGATAGAAACTTCATCTTTTAGATGTTCAGGAGAGTTATTTTCCTTTTT-3'
Protein context (NP_009225.1, residues 119-139): KDEVSIIQSM[Gly129Ser]YRNRAKRLLQ